The following is an entry in ClinVar:

ClinVar aggregate classification (germline): Uncertain significance (1 of 4 stars; one submission).

Allele frequency attached by ClinVar (database versions not stated): gnomAD exomes below 0.00001.
gnomAD v4.1: 3 of 816,866 alleles (0.00037%); highest among the groups gnomAD compares: African/African-American, 0.005%; no homozygotes.

Submission:

GeneDx
Classification: Uncertain significance. Last evaluated: 2024-02-09. Review status: criteria provided, single submitter. Criteria: GeneDx Variant Classification Process June 2021. Collection method: clinical testing. Allele origin: germline. Affected: yes.
Comment: Has not been previously published as pathogenic or benign to our knowledge; In-silico analysis, which includes splice predictors and evolutionary conservation, is inconclusive as to whether the variant alters gene splicing. In the absence of RNA/functional studies, the actual effect of this sequence change is unknown.

NM_002667.5(PLN):c.-97G>A

Genes: CEP85L (centrosomal protein 85 like; minus strand), PLN (phospholamban; plus strand). Cytogenetic location: 6q22.31.
Variant type: single nucleotide variant.
Coding change: c.-97G>A on transcript NM_002667.5 (MANE Select); 97 bases upstream of the start codon, G replaced by A.
Molecular consequence: 5 prime UTR variant. On other transcripts: intron variant (3).
Genome position (GRCh38, 1-based): chr6:118,558,825, G>A. VCF-style: chr6-118558825-G-A. GRCh37 (hg19) VCF-style: chr6-118879988-G-A.
Other names: c.1029+6704C>T (NM_001178035.2); c.1020+6704C>T (NM_001042475.3, NM_206921.3).
Identifiers: ClinVar variation 3252377 (VCV003252377.1), dbSNP rs558554251.